The following is an entry in ClinVar:

NM_000400.4(ERCC2):c.2209T>C (p.Ser737Pro)

Gene: ERCC2 (ERCC excision repair 2, TFIIH core complex helicase subunit; minus strand). Cytogenetic location: 19q13.32.
Variant type: single nucleotide variant.
Coding change: c.2209T>C on transcript NM_000400.4 (MANE Select); coding-DNA position 2209, T replaced by C.
Protein change: p.Ser737Pro; replaces serine 737 with proline.
Molecular consequence: missense variant.
Genome position (GRCh38, 1-based): chr19:45,351,703, A>G on the plus strand (T>C on the coding strand, the complement: ERCC2 is on the minus strand). VCF-style: chr19-45351703-A-G. GRCh37 (hg19) VCF-style: chr19-45854961-A-G.
Other names: short protein forms S737P.
Identifiers: ClinVar variation 1354821 (VCV001354821.8), dbSNP rs1568530343, ClinGen allele CA406360548.

ClinVar aggregate classification (germline): Uncertain significance (1 of 4 stars; one submission).

Allele frequency attached by ClinVar (database versions not stated): TOPMed below 0.00001.

Submission:

Labcorp Genetics (formerly Invitae), Labcorp
Classification: Uncertain significance. Last evaluated: 2021-05-18. Review status: criteria provided, single submitter. Criteria: Invitae Variant Classification Sherloc (09022015). Collection method: clinical testing. Allele origin: germline.
Comment: This sequence change replaces serine with proline at codon 737 of the ERCC2 protein (p.Ser737Pro). The serine residue is highly conserved and there is a moderate physicochemical difference between serine and proline. This variant is not present in population databases (ExAC no frequency). This variant has not been reported in the literature in individuals with ERCC2-related conditions. Algorithms developed to predict the effect of missense changes on protein structure and function are either unavailable or do not agree on the potential impact of this missense change (SIFT: "Deleterious"; PolyPhen-2: "Probably Damaging"; Align-GVGD: "Class C0"). In summary, the available evidence is currently insufficient to determine the role of this variant in disease. Therefore, it has been classified as a Variant of Uncertain Significance.